The following is an entry in ClinVar:

ClinVar aggregate classification (germline): Benign/Likely benign. Review status: criteria provided, multiple submitters, no conflicts (2 of 4 stars). 4 submissions from 4 submitters: Benign (2); Likely benign (1). 1 of the submissions does not count toward it. Last evaluated 2026-01-07.

Conditions:
CFI-related disorder. Also called: CFI-related disorders; CFI-related condition. Identifiers: MedGen CN239325.
Atypical hemolytic-uremic syndrome with I factor anomaly. Also called: HEMOLYTIC UREMIC SYNDROME, ATYPICAL, SUSCEPTIBILITY TO, 3; AHUS, SUSCEPTIBILITY TO, 3. Identifiers: Orphanet 2134, MedGen C2752039, MONDO:0013041, OMIM 612923.

Allele frequency attached by ClinVar (database versions not stated): gnomAD 0.00009 and 0.00012; gnomAD exomes 0.00010 and 0.00027; TOPMed 0.00020; ExAC 0.00028; 1000 Genomes Project 0.00060; 1000 Genomes Project 30x 0.00062.
gnomAD v4.1: 161 of 1,614,200 alleles (0.01%); highest among the groups gnomAD compares: East Asian, 0.32%; no homozygotes.

Submissions (4):

Labcorp Genetics (formerly Invitae), Labcorp
Classification: Benign. Last evaluated: 2026-01-07. Review status: criteria provided, single submitter. Criteria: Invitae Variant Classification Sherloc (09022015). Collection method: clinical testing. Allele origin: germline.

Blueprint Genetics
Classification: Likely benign. Last evaluated: 2024-03-25. Review status: criteria provided, single submitter. Criteria: ACMG Guidelines, 2015. Collection method: clinical testing. Allele origin: germline.

Illumina Laboratory Services, Illumina
Classification: Benign for Atypical hemolytic-uremic syndrome with I factor anomaly. Last evaluated: 2018-01-13. Review status: criteria provided, single submitter. Criteria: ICSL Variant Classification Criteria 13 December 2019. Collection method: clinical testing. Allele origin: germline.
Comment: This variant was observed in the ICSL laboratory as part of a predisposition screen in an ostensibly healthy population. It had not been previously curated by ICSL or reported in the Human Gene Mutation Database (HGMD: prior to June 1st, 2018), and was therefore a candidate for classification through an automated scoring system. Utilizing variant allele frequency, disease prevalence and penetrance estimates, and inheritance mode, an automated score was calculated to assess if this variant is too frequent to cause the disease. Based on the score and internal cut-off values, a variant classified as benign is not then subjected to further curation. The score for this variant resulted in a classification of benign for this disease.

PreventionGenetics, part of Exact Sciences
Classification: Likely benign for CFI-related condition. Last evaluated: 2019-10-28. Review status: no assertion criteria provided. Collection method: clinical testing. Allele origin: germline. Not counted in ClinVar's aggregate classification.
Comment: This variant is classified as likely benign based on ACMG/AMP sequence variant interpretation guidelines (Richards et al. 2015 PMID: 25741868, with internal and published modifications).

NM_000204.5(CFI):c.1410T>C (p.Ser470=)

Gene: CFI (complement factor I; minus strand). Cytogenetic location: 4q25.
Variant type: single nucleotide variant.
Coding change: c.1410T>C on transcript NM_000204.5 (MANE Select); coding-DNA position 1410, T replaced by C.
Protein change: p.Ser470=; no amino-acid change (serine 470 retained).
Molecular consequence: synonymous variant. On other transcripts: non-coding transcript variant (2).
Genome position (GRCh38, 1-based): chr4:109,746,241, A>G on the plus strand (T>C on the coding strand, the complement: CFI is on the minus strand). VCF-style: chr4-109746241-A-G. GRCh37 (hg19) VCF-style: chr4-110667397-A-G.
Other names: c.1434T>C, p.Ser478= (NM_001318057.2, NM_001375278.1); c.1389T>C, p.Ser463= (NM_001331035.2, NM_001375280.1, NM_001375282.1); c.1410T>C, p.Ser470= (NM_001375279.1, NM_001375281.1); c.1353T>C, p.Ser451= (NM_001375283.1); c.801T>C, p.Ser267= (NM_001375284.1).
Identifiers: ClinVar variation 347154 (VCV000347154.15), dbSNP rs200068862, ClinGen allele CA3041921.
Genomic context (GRCh38, chr4:109,746,241, plus strand): 5'-CCAACTCATGGCTTCTGATTAACAAACTGTAAAACATATACCTTTTTCTCGTCCCCAGCC[A>G]GAAACGATGCATGTATCATTAGGTTGGAATAGGTAAGGAGACCAGGGGACACAGGCAGGG-3'
Protein context (NP_000195.3, residues 460-480): LFQPNDTCIV[Ser470=]GWGREKDNER